The following is an entry in ClinVar:

ClinVar aggregate classification (germline): Uncertain significance. Review status: criteria provided, multiple submitters, no conflicts (2 of 4 stars). 3 submissions from 3 submitters: Uncertain significance (2). 1 of the submissions does not count toward it. Last evaluated 2024-10-08.

Conditions:
Usher syndrome type 1 (USH1). Also called: RETINITIS PIGMENTOSA AND CONGENITAL DEAFNESS. Identifiers: Orphanet 231169, Orphanet 886, MedGen C1568247, MONDO:0010168, OMIM 276900.

Allele frequency attached by ClinVar (database versions not stated): gnomAD 0.00001; TOPMed 0.00001.

Submissions (3):

Labcorp Genetics (formerly Invitae), Labcorp
Classification: Uncertain significance. Last evaluated: 2024-10-08. Review status: criteria provided, single submitter. Criteria: Invitae Variant Classification Sherloc (09022015). Collection method: clinical testing. Allele origin: germline.
Comment: This sequence change replaces arginine, which is basic and polar, with cysteine, which is neutral and slightly polar, at codon 1555 of the CDH23 protein (p.Arg1555Cys). The frequency data for this variant in the population databases is considered unreliable, as metrics indicate poor data quality at this position in the gnomAD database. This variant has not been reported in the literature in individuals affected with CDH23-related conditions. ClinVar contains an entry for this variant (Variation ID: 969595). Invitae Evidence Modeling of protein sequence and biophysical properties (such as structural, functional, and spatial information, amino acid conservation, physicochemical variation, residue mobility, and thermodynamic stability) has been performed for this missense variant. However, the output from this modeling did not meet the statistical confidence thresholds required to predict the impact of this variant on CDH23 protein function. In summary, the available evidence is currently insufficient to determine the role of this variant in disease. Therefore, it has been classified as a Variant of Uncertain Significance.

Blueprint Genetics
Classification: Uncertain significance. Last evaluated: 2022-09-14. Review status: criteria provided, single submitter. Criteria: ACMG Guidelines, 2015. Collection method: clinical testing. Allele origin: germline.

Natera, Inc.
Classification: Uncertain significance for Usher syndrome type 1. Last evaluated: 2021-07-19. Review status: no assertion criteria provided. Collection method: clinical testing. Allele origin: germline. Not counted in ClinVar's aggregate classification.

NM_022124.6(CDH23):c.4663C>T (p.Arg1555Cys)

Gene: CDH23 (cadherin related 23; plus strand). Cytogenetic location: 10q22.1.
Variant type: single nucleotide variant.
Coding change: c.4663C>T on transcript NM_022124.6 (MANE Select); coding-DNA position 4663, C replaced by T.
Protein change: p.Arg1555Cys; replaces arginine 1555 with cysteine.
Molecular consequence: missense variant.
Genome position (GRCh38, 1-based): chr10:71,741,739, C>T. VCF-style: chr10-71741739-C-T. GRCh37 (hg19) VCF-style: chr10-73501496-C-T.
Other names: short protein forms R1555C.
Identifiers: ClinVar variation 969595 (VCV000969595.6), dbSNP rs773842427, ClinGen allele CA5545122.
Genomic context (GRCh38, chr10:71,741,739, plus strand): 5'-CTGCTCTCCTCCCAGAACGTGGGTGGAGGTACTGCTGTGGTCCAGGTGAGAGCCACTGAC[C>T]GTGACATCGGGATCAACAGTGTTCTGTCCTACTACATCACCGAGGGCAACAAGGACATGG-3'
Protein context (NP_071407.4, residues 1545-1565): TAVVQVRATD[Arg1555Cys]DIGINSVLSY